The following is an entry in ClinVar:

ClinVar aggregate classification (germline): Uncertain significance. Review status: criteria provided, multiple submitters, no conflicts (2 of 4 stars). 2 submissions from 2 submitters: Uncertain significance (2). Last evaluated 2024-09-16.

Conditions:
Autosomal dominant limb-girdle muscular dystrophy type 1G (LGMDD3). Also called: Limb-girdle muscular dystrophy, type 1G; MUSCULAR DYSTROPHY, LIMB-GIRDLE, AUTOSOMAL DOMINANT 3. Identifiers: Orphanet 55596, MedGen C1836765, MONDO:0012193, OMIM 609115.

Allele frequency attached by ClinVar (database versions not stated): gnomAD 0.00003; TOPMed 0.00003; ExAC 0.00022.

Submissions (2):

Labcorp Genetics (formerly Invitae), Labcorp
Classification: Uncertain significance for Autosomal dominant limb-girdle muscular dystrophy type 1G. Last evaluated: 2024-09-16. Review status: criteria provided, single submitter. Criteria: Invitae Variant Classification Sherloc (09022015). Collection method: clinical testing. Allele origin: germline.
Comment: This sequence change replaces proline, which is neutral and non-polar, with serine, which is neutral and polar, at codon 47 of the HNRNPDL protein (p.Pro47Ser). The frequency data for this variant in the population databases is considered unreliable, as metrics indicate poor data quality at this position in the gnomAD database. This variant has not been reported in the literature in individuals affected with HNRNPDL-related conditions. ClinVar contains an entry for this variant (Variation ID: 857933). An algorithm developed to predict the effect of missense changes on protein structure and function outputs the following: PolyPhen-2: "Benign". The serine amino acid residue is found in multiple mammalian species, which suggests that this missense change does not adversely affect protein function. In summary, the available evidence is currently insufficient to determine the role of this variant in disease. Therefore, it has been classified as a Variant of Uncertain Significance.

Ambry Genetics
Classification: Uncertain significance. Last evaluated: 2022-11-07. Review status: criteria provided, single submitter. Criteria: Ambry Variant Classification Scheme 2023. Collection method: clinical testing. Allele origin: germline.

NM_031372.4(HNRNPDL):c.139C>T (p.Pro47Ser)

Gene: HNRNPDL (heterogeneous nuclear ribonucleoprotein D like; minus strand). Cytogenetic location: 4q21.22.
Variant type: single nucleotide variant.
Coding change: c.139C>T on transcript NM_031372.4 (MANE Select); coding-DNA position 139, C replaced by T.
Protein change: p.Pro47Ser; replaces proline 47 with serine.
Molecular consequence: missense variant. On other transcripts: non-coding transcript variant (1).
Genome position (GRCh38, 1-based): chr4:82,429,552, G>A on the plus strand (C>T on the coding strand, the complement: HNRNPDL is on the minus strand). VCF-style: chr4-82429552-G-A. GRCh37 (hg19) VCF-style: chr4-83350705-G-A.
Other names: c.139C>T, p.Pro47Ser (NM_001207000.1); short protein forms P47S.
Identifiers: ClinVar variation 857933 (VCV000857933.11), dbSNP rs754208735, ClinGen allele CA2985134.